The following is an entry in ClinVar:

NM_003748.4(ALDH4A1):c.1055C>T (p.Ser352Leu)

Gene: ALDH4A1 (aldehyde dehydrogenase 4 family member A1; minus strand). Cytogenetic location: 1p36.13.
Variant type: single nucleotide variant.
Coding change: c.1055C>T on transcript NM_003748.4 (MANE Select); coding-DNA position 1055, C replaced by T.
Protein change: p.Ser352Leu; replaces serine 352 with leucine.
Molecular consequence: missense variant.
Genome position (GRCh38, 1-based): chr1:18,877,498, G>A on the plus strand (C>T on the coding strand, the complement: ALDH4A1 is on the minus strand). VCF-style: chr1-18877498-G-A. GRCh37 (hg19) VCF-style: chr1-19203992-G-A.
Other names: c.875C>T, p.Ser292Leu (NM_001161504.2); c.1055C>T, p.Ser352Leu (NM_001319218.2, NM_170726.3); c.1055C>T (NM_003748.3); short protein forms S352L, S292L.
Identifiers: ClinVar variation 4003 (VCV000004003.11), dbSNP rs137852937, ClinGen allele CA116567.

ClinVar aggregate classification (germline): Conflicting classifications of pathogenicity. Review status: criteria provided, conflicting classifications (1 of 4 stars). 5 submissions from 5 submitters: Likely pathogenic (3); Uncertain significance (1). 1 of the submissions does not count toward it. Last evaluated 2024-01-01.

Conditions:
Hyperprolinemia type 2 (HYRPRO2). Also called: 1-PYRROLINE-5-CARBOXYLATE DEHYDROGENASE DEFICIENCY; Delta-1-pyrroline-5-carboxylate dehydrogenase deficiency; Deficiency of pyrroline-5-carboxylate reductase. Identifiers: Orphanet 79101, MedGen C2931835, MONDO:0009401, OMIM 239510.

Allele frequency attached by ClinVar (database versions not stated): gnomAD exomes 0.00015; TOPMed 0.00009; gnomAD 0.00013 and 0.00014.
gnomAD v4.1: 233 of 1,606,968 alleles (0.014%); highest among the groups gnomAD compares: Non-Finnish European, 0.019%; no homozygotes.

Submissions (5):

Daryl Scott Lab, Baylor College of Medicine
Classification: Likely pathogenic for Hyperprolinemia type 2. Last evaluated: 2024-01-01. Review status: criteria provided, single submitter. Criteria: ACMG Guidelines, 2015. Collection method: clinical testing. Allele origin: maternal. Observed: 1 heterozygote.
Comment: PS3, PM3, PP3

Women's Health and Genetics/Laboratory Corporation of America, LabCorp
Classification: Likely pathogenic for Hyperprolinemia type 2. Last evaluated: 2023-05-03. Review status: criteria provided, single submitter. Criteria: LabCorp Variant Classification Summary - May 2015. Collection method: clinical testing. Allele origin: germline.
Comment: Variant summary: ALDH4A1 c.1055C>T (p.Ser352Leu) results in a non-conservative amino acid change located in the aldehyde dehydrogenase, cysteine active site (IPR016160) of the encoded protein sequence. Five of five in-silico tools predict a damaging effect of the variant on protein function. The variant allele was found at a frequency of 9.6e-05 in 238360 control chromosomes (gnomAD). c.1055C>T has been reported in the literature in the compound heterozygous state in an individual affected with Deficiency of pyrroline-5-carboxylate reductase (Geraghty_1998). Publications reporting experimental evidence evaluating an impact on protein function found that the variant has undetectable enzyme activity and a negligible affinity for NAD+, and when expressed in P5CDh-deficient yeast, transformants expressing the variant failed to grow on medium containing proline as a sole nitrogen source (Geraghty_1998, Srivastava_2012). The following publications have been ascertained in the context of this evaluation (PMID: 9700195, 22516612). One clinical diagnostic laboratory has submitted a clinical-significance assessment for this variant to ClinVar after 2014 and classified the variant as uncertain significance. Based on the evidence outlined above, the variant was classified as likely pathogenic.

Labcorp Genetics (formerly Invitae), Labcorp
Classification: Uncertain significance for Hyperprolinemia type 2. Last evaluated: 2022-10-17. Review status: criteria provided, single submitter. Criteria: Invitae Variant Classification Sherloc (09022015). Collection method: clinical testing. Allele origin: germline.
Comment: In summary, the available evidence is currently insufficient to determine the role of this variant in disease. Therefore, it has been classified as a Variant of Uncertain Significance. Experimental studies have shown that this missense change affects ALDH4A1 function (PMID: 9700195). Algorithms developed to predict the effect of missense changes on protein structure and function (SIFT, PolyPhen-2, Align-GVGD) all suggest that this variant is likely to be disruptive. ClinVar contains an entry for this variant (Variation ID: 4003). This missense change has been observed in individual(s) with hyperprolinemia (PMID: 9700195). This variant is present in population databases (rs137852937, gnomAD 0.02%). This sequence change replaces serine, which is neutral and polar, with leucine, which is neutral and non-polar, at codon 352 of the ALDH4A1 protein (p.Ser352Leu).

Juno Genomics, Hangzhou Juno Genomics, Inc
Classification: Likely pathogenic for Hyperprolinemia type 2. Review status: criteria provided, single submitter. Criteria: ACMG Guidelines, 2015. Collection method: clinical testing. Allele origin: germline.
Comment: Absent from controls (or at extremely low frequency if recessive) in Genome Aggregation Database.;Well-established in vitro or in vivo functional studies supportive of a damaging effect on the gene or gene product.;For recessive disorders, detected in trans with a pathogenic variant.;Patient's phenotype or family history is highly specific for a disease with a single genetic etiology.

OMIM
Classification: Pathogenic for HYPERPROLINEMIA, TYPE II. Last evaluated: 1998-09-01. Review status: no assertion criteria provided. Collection method: literature only. Allele origin: germline. Not counted in ClinVar's aggregate classification.

Literature cited by the submitters: PubMed 9700195 (cited by 3 submitters); PubMed 22516612 (cited by Women's Health and Genetics/Laboratory Corporation of America, LabCorp).